The following is an entry in ClinVar:

ClinVar aggregate classification (germline): Uncertain significance (1 of 4 stars; one submission).

Conditions:
Intellectual developmental disorder, autosomal dominant 39. Also called: Mental retardation, autosomal dominant 39; Intellectual disability, autosomal dominant 39. Identifiers: MedGen C4225296, MONDO:0014678, OMIM 616521.

Submission:

New York Genome Center
Classification: Uncertain significance for Intellectual developmental disorder, autosomal dominant 39. Last evaluated: 2020-07-16. Review status: criteria provided, single submitter. Criteria: NYGC Assertion Criteria 2020. Collection method: clinical testing. Allele origin: germline. Observed: 1 heterozygote. Study: CSER-NYCKidSeq.
Comment: The heterozygous deletion encompasses exon 1 and 2 of the MYT1L gene. Exons 1 and 2 of the MYT1L gene are the part of 5’-untranslated region. This deletion of exon 1 and 2 has been reported in one individual with poor fine motor skills, issues with sensory behaviors, atypical autism, and mild facial dysmorphism [PMID: 32065501]. This variant is not reported in public databases, indicating this is a rare allele. Currently, the role of the exons 1 and 2 of 5’UTR in the MYT1L gene is unclear, and based on the available evidence, the Chr2:2281453_2420148del in the MYT1L gene is classified as a Variant of Uncertain Significance.

NC_000002.12:g.2281453_2420148del

Genes: MYT1L (myelin transcription factor 1 like; minus strand), MYT1L-AS1 (MYT1L antisense RNA 1; plus strand). Cytogenetic location: 2p25.3.
Variant type: Deletion.
Identifiers: ClinVar variation 1213685 (VCV001213685.1).